The following is an entry in ClinVar:

ClinVar aggregate classification (germline): Pathogenic (1 of 4 stars; one submission).

Submission:

Labcorp Genetics (formerly Invitae), Labcorp
Classification: Pathogenic. Last evaluated: 2023-08-29. Review status: criteria provided, single submitter. Criteria: Invitae Variant Classification Sherloc (09022015). Collection method: clinical testing. Allele origin: unknown.
Comment: For these reasons, this variant has been classified as Pathogenic. This variant is a gross deletion of the genomic region encompassing exon(s) 23-28 of the ADGRV1 gene. This deletion is out-of-frame, and is expected to create a premature termination codon and result in an absent or disrupted protein product. Loss-of-function variants in ADGRV1 are known to be pathogenic (PMID: 19357117, 22135276, 22147658, 26226137, 30718709, 31047384, 32467589). This variant has not been reported in the literature in individuals affected with ADGRV1-related conditions.

Literature cited by the submitters: PubMed 19357117; PubMed 22135276; PubMed 22147658; PubMed 26226137; PubMed 30718709; PubMed 31047384; PubMed 32467589.

NC_000005.9:g.(?_89969851)_(89980032_?)del

Gene: ADGRV1 (adhesion G protein-coupled receptor V1; plus strand). Cytogenetic location: 5q14.3.
Variant type: Deletion.
Identifiers: ClinVar variation 3246545 (VCV003246545.1).